The following is an entry in ClinVar:

ClinVar aggregate classification (germline): Uncertain significance (1 of 4 stars; one submission).

Allele frequency attached by ClinVar (database versions not stated): gnomAD exomes below 0.00001.
gnomAD v4.1: 5 of 1,479,188 alleles (0.00034%); highest among the groups gnomAD compares: Non-Finnish European, 0.00045%; no homozygotes.

Submission:

CeGaT Center for Human Genetics Tuebingen
Classification: Uncertain significance. Last evaluated: 2023-10-01. Review status: criteria provided, single submitter. Criteria: CeGaT Center For Human Genetics Tuebingen Variant Classification Criteria Version 2. Collection method: clinical testing. Allele origin: germline. Affected: yes. Observed: 1 variant allele.
Comment: GRIN2D: PM2, PP2

NM_000836.4(GRIN2D):c.3889T>C (p.Cys1297Arg)

Gene: GRIN2D (glutamate ionotropic receptor NMDA type subunit 2D; plus strand). Cytogenetic location: 19q13.33.
Variant type: single nucleotide variant.
Coding change: c.3889T>C on transcript NM_000836.4 (MANE Select); coding-DNA position 3889, T replaced by C.
Protein change: p.Cys1297Arg; replaces cysteine 1297 with arginine.
Molecular consequence: missense variant.
Genome position (GRCh38, 1-based): chr19:48,443,815, T>C. VCF-style: chr19-48443815-T-C. GRCh37 (hg19) VCF-style: chr19-48947072-T-C.
Other names: short protein forms C1297R.
Identifiers: ClinVar variation 2650208 (VCV002650208.24), dbSNP rs2513694343, ClinGen allele CA406678815.